The following is an entry in ClinVar:

ClinVar aggregate classification (germline): Uncertain significance. Review status: criteria provided, multiple submitters, no conflicts (2 of 4 stars). 3 submissions from 3 submitters: Uncertain significance (3). Last evaluated 2026-08-02.

Conditions:
Neurofibromatosis, type 1 (NF1). Also called: VON RECKLINGHAUSEN DISEASE; Peripheral type neurofibromatosis; NEUROFIBROMATOSIS, TYPE I, SOMATIC; Neurofibromatosis, type I. Identifiers: Orphanet 636, MedGen C0027831, MONDO:0018975, OMIM 162200. Disease mechanism: loss of function.
Hereditary cancer-predisposing syndrome. Also called: Hereditary Cancer Syndrome; Hereditary neoplastic syndrome; Neoplastic Syndromes, Hereditary; Tumor predisposition. Identifiers: Orphanet 140162, MedGen C0027672, MeSH D009386, MONDO:0015356.
Cardiovascular phenotype. Identifiers: MedGen CN230736.
NF1-related disorder. Also called: NF1-related condition. Identifiers: MedGen CN379171.

Allele frequency attached by ClinVar (database versions not stated): gnomAD exomes below 0.00001.
gnomAD v4.1: 1 of 1,614,214 alleles (0.000062%); highest among the groups gnomAD compares: East Asian, 0.0022%; no homozygotes.

Submissions (3):

Ambry Genetics
Classification: Uncertain significance for Cardiovascular phenotype; Hereditary cancer-predisposing syndrome. Last evaluated: 2026-08-02. Review status: criteria provided, single submitter. Criteria: Ambry Variant Classification Scheme 2023. Collection method: clinical testing. Allele origin: germline.
Comment: The p.E1198G variant (also known as c.3593A>G), located in coding exon 27 of the NF1 gene, results from an A to G substitution at nucleotide position 3593. The glutamic acid at codon 1198 is replaced by glycine, an amino acid with similar properties. This amino acid position is conserved. In addition, this alteration is predicted to be deleterious by in silico analysis. Based on the available evidence, the clinical significance of this variant remains unclear.

Daryl Scott Lab, Baylor College of Medicine
Classification: Uncertain significance for NF1-related disorder. Last evaluated: 2024-04-01. Review status: criteria provided, single submitter. Criteria: ACMG Guidelines, 2015. Collection method: clinical testing. Allele origin: paternal. Observed: 1 heterozygote.
Comment: PM2, PP3

Labcorp Genetics (formerly Invitae), Labcorp
Classification: Uncertain significance for Neurofibromatosis, type 1. Last evaluated: 2023-07-03. Review status: criteria provided, single submitter. Criteria: Invitae Variant Classification Sherloc (09022015). Collection method: clinical testing. Allele origin: germline.
Comment: In summary, the available evidence is currently insufficient to determine the role of this variant in disease. Therefore, it has been classified as a Variant of Uncertain Significance. Advanced modeling of protein sequence and biophysical properties (such as structural, functional, and spatial information, amino acid conservation, physicochemical variation, residue mobility, and thermodynamic stability) performed at Invitae indicates that this missense variant is expected to disrupt NF1 protein function. This variant has not been reported in the literature in individuals affected with NF1-related conditions. This variant is not present in population databases (gnomAD no frequency). This sequence change replaces glutamic acid, which is acidic and polar, with glycine, which is neutral and non-polar, at codon 1198 of the NF1 protein (p.Glu1198Gly).

NM_001042492.3(NF1):c.3593A>G (p.Glu1198Gly)

Gene: NF1 (neurofibromin 1; plus strand). Cytogenetic location: 17q11.2.
Variant type: single nucleotide variant.
Coding change: c.3593A>G on transcript NM_001042492.3 (MANE Select); coding-DNA position 3593, A replaced by G.
Protein change: p.Glu1198Gly; replaces glutamic acid 1198 with glycine.
Molecular consequence: missense variant.
Genome position (GRCh38, 1-based): chr17:31,233,098, A>G. VCF-style: chr17-31233098-A-G. GRCh37 (hg19) VCF-style: chr17-29560116-A-G.
Other names: c.3593A>G, p.Glu1198Gly (NM_000267.4); short protein forms E1198G.
Identifiers: ClinVar variation 2735686 (VCV002735686.5), dbSNP rs2151435534, ClinGen allele CA398990222.